The following is an entry in ClinVar:

NM_000535.7(PMS2):c.2413C>A (p.Gln805Lys)

Gene: PMS2 (PMS1 homolog 2, mismatch repair system component; minus strand). Cytogenetic location: 7p22.1.
Variant type: single nucleotide variant.
Coding change: c.2413C>A on transcript NM_000535.7 (MANE Select); coding-DNA position 2413, C replaced by A.
Protein change: p.Gln805Lys; replaces glutamine 805 with lysine.
Molecular consequence: missense variant. On other transcripts: non-coding transcript variant (1).
Genome position (GRCh38, 1-based): chr7:5,977,620, G>T on the plus strand (C>A on the coding strand, the complement: PMS2 is on the minus strand). VCF-style: chr7-5977620-G-T. GRCh37 (hg19) VCF-style: chr7-6017251-G-T.
Other names: c.2008C>A, p.Gln670Lys (NM_001322003.2, NM_001322004.2, NM_001322005.2 and 11 more transcripts); c.2257C>A, p.Gln753Lys (NM_001322006.2); c.2095C>A, p.Gln699Lys (NM_001322007.2, NM_001322008.2, NM_001406883.1); c.2041C>A, p.Gln681Lys (NM_001322009.2, NM_001406887.1, NM_001406888.1); c.1852C>A, p.Gln618Lys (NM_001322010.2, NM_001406906.1, NM_001406907.1); c.1480C>A, p.Gln494Lys (NM_001322011.2, NM_001322012.2); c.1840C>A, p.Gln614Lys (NM_001322013.2, NM_001406908.1, NM_001406909.1); c.2446C>A, p.Gln816Lys (NM_001322014.2); and 20 more; short protein forms Q614K, Q634K, Q683K, Q697K, Q702K, Q753K, Q813K, Q816K.
Identifiers: ClinVar variation 3421540 (VCV003421540.1).

ClinVar aggregate classification (germline): Uncertain significance (1 of 4 stars; one submission).

Conditions:
Hereditary cancer-predisposing syndrome. Also called: Neoplastic Syndromes, Hereditary; Tumor predisposition; Hereditary Cancer Syndrome; Hereditary neoplastic syndrome. Identifiers: Orphanet 140162, MedGen C0027672, MeSH D009386, MONDO:0015356.

Submission:

Ambry Genetics
Classification: Uncertain significance for Hereditary cancer-predisposing syndrome. Last evaluated: 2024-11-28. Review status: criteria provided, single submitter. Criteria: Ambry Variant Classification Scheme 2023. Collection method: clinical testing. Allele origin: germline.
Comment: The p.Q805K variant (also known as c.2413C>A), located in coding exon 14 of the PMS2 gene, results from a C to A substitution at nucleotide position 2413. The glutamine at codon 805 is replaced by lysine, an amino acid with similar properties. This amino acid position is conserved. In addition, the in silico prediction for this alteration is inconclusive. Based on the available evidence, the clinical significance of this variant remains unclear.